The following is an entry in ClinVar:

ClinVar aggregate classification (germline): Likely pathogenic. Review status: criteria provided, multiple submitters, no conflicts (2 of 4 stars). 2 submissions from 2 submitters: Likely pathogenic (2). Last evaluated 2025-09-11.

Conditions:
Interstitial lung disease due to ABCA3 deficiency. Also called: PULMONARY ALVEOLAR PROTEINOSIS, CONGENITAL, 3. Identifiers: Orphanet 440402, MedGen C1970456, MONDO:0012582, OMIM 610921.

Allele frequency attached by ClinVar (database versions not stated): ExAC 0.00002.
gnomAD v4.1: 10 of 1,613,178 alleles (0.00062%); highest among the groups gnomAD compares: South Asian, 0.0022%; no homozygotes.

Submissions (2):

Women's Health and Genetics/Laboratory Corporation of America, LabCorp
Classification: Likely pathogenic for Interstitial lung disease due to ABCA3 deficiency. Last evaluated: 2025-09-11. Review status: criteria provided, single submitter. Criteria: LabCorp Variant Classification Summary - May 2015. Collection method: clinical testing. Allele origin: germline.
Comment: Variant summary: ABCA3 c.1112-20G>A alters a nucleotide located at a position not widely known to affect splicing. Several computational tools predict a significant impact on normal splicing: Four predict the variant creates a cryptic 3' acceptor site. However, these predictions have yet to be confirmed by functional studies. The variant allele was found at a frequency of 4e-06 in 250190 control chromosomes. The available data on variant occurrences in the general population are insufficient to allow any conclusion about variant significance. c.1112-20G>A has been observed in the presumed compound heterozygous state in at least 2 individual(s) affected with pulmonary surfactant metabolism dysfunction/neonatal respiratory failure (e.g. Garmany_2006, Wambach_2014). These data indicate that the variant may be associated with disease. To our knowledge, no experimental evidence demonstrating an impact on protein function has been reported. The following publications have been ascertained in the context of this evaluation (PMID: 16641205, 24871971). ClinVar contains an entry for this variant (Variation ID: 2577339). Based on the evidence outlined above, the variant was classified as likely pathogenic.

Labcorp Genetics (formerly Invitae), Labcorp
Classification: Likely pathogenic. Last evaluated: 2023-07-14. Review status: criteria provided, single submitter. Criteria: Invitae Variant Classification Sherloc (09022015). Collection method: clinical testing. Allele origin: germline.
Comment: This variant is present in population databases (rs746701685, gnomAD 0.003%). This sequence change falls in intron 10 of the ABCA3 gene. It does not directly change the encoded amino acid sequence of the ABCA3 protein. This variant has been observed in individual(s) with autosomal recessive surfactant metabolism dysfunction (PMID: 16641205, 24871971). In at least one individual the data is consistent with being in trans (on the opposite chromosome) from a pathogenic variant. Algorithms developed to predict the effect of sequence changes on RNA splicing suggest that this variant may disrupt the consensus splice site. In summary, the currently available evidence indicates that the variant is pathogenic, but additional data are needed to prove that conclusively. Therefore, this variant has been classified as Likely Pathogenic.

Literature cited by the submitters: PubMed 24871971 (cited by Women's Health and Genetics/Laboratory Corporation of America, LabCorp and Labcorp Genetics (formerly Invitae), Labcorp); PubMed 16641205 (cited by Women's Health and Genetics/Laboratory Corporation of America, LabCorp and Labcorp Genetics (formerly Invitae), Labcorp).

NM_001089.3(ABCA3):c.1112-20G>A

Gene: ABCA3 (ATP binding cassette subfamily A member 3; minus strand). Cytogenetic location: 16p13.3.
Variant type: single nucleotide variant.
Coding change: c.1112-20G>A on transcript NM_001089.3 (MANE Select); 20 bases into the intron before coding-DNA position 1112, G replaced by A.
Molecular consequence: intron variant.
Genome position (GRCh38, 1-based): chr16:2,308,643, C>T on the plus strand (G>A on the coding strand, the complement: ABCA3 is on the minus strand). VCF-style: chr16-2308643-C-T. GRCh37 (hg19) VCF-style: chr16-2358644-C-T.
Identifiers: ClinVar variation 2577339 (VCV002577339.5), dbSNP rs746701685, ClinGen allele CA7841359.